The following is an entry in ClinVar:

NC_000001.10:g.(?_216380707)_(216382383_?)del

Gene: USH2A (usherin; minus strand). Cytogenetic location: 1q41.
Variant type: Deletion.
Identifiers: ClinVar variation 2427759 (VCV002427759.4).

ClinVar aggregate classification (germline): Likely pathogenic (1 of 4 stars; one submission).

Submission:

Labcorp Genetics (formerly Invitae), Labcorp
Classification: Likely pathogenic. Last evaluated: 2022-01-02. Review status: criteria provided, single submitter. Criteria: Invitae Variant Classification Sherloc (09022015). Collection method: clinical testing. Allele origin: germline.
Comment: In summary, the currently available evidence indicates that the variant is pathogenic, but additional data are needed to prove that conclusively. Therefore, this variant has been classified as Likely Pathogenic. This variant has not been reported in the literature in individuals affected with USH2A-related conditions. This variant results in the deletion of part of exon 16 (c.3158-1610_3224del) of the USH2A gene. It is expected to disrupt RNA splicing. Variants that disrupt the donor or acceptor splice site typically lead to a loss of protein function (PMID: 16199547), and loss-of-function variants in USH2A are known to be pathogenic (PMID: 10729113, 10909849, 20507924, 25649381).

Literature cited by the submitters: PubMed 16199547; PubMed 10729113; PubMed 10909849; PubMed 20507924; PubMed 25649381.